The following is an entry in ClinVar:

ClinVar aggregate classification (germline): Uncertain significance (1 of 4 stars; one submission).

gnomAD v4.1: 2 of 1,614,166 alleles (0.00012%); highest among the groups gnomAD compares: Non-Finnish European, 0.00017%; no homozygotes.

Submission:

CeGaT Center for Human Genetics Tuebingen
Classification: Uncertain significance. Last evaluated: 2025-10-01. Review status: criteria provided, single submitter. Criteria: CeGaT Center For Human Genetics Tuebingen Variant Classification Criteria Version 2. Collection method: clinical testing. Allele origin: germline. Affected: yes. Observed: 1 variant allele.
Comment: RYR1: PM2, PP3

NM_000540.3(RYR1):c.9062C>A (p.Pro3021Gln)

Gene: RYR1 (ryanodine receptor 1; plus strand). Cytogenetic location: 19q13.2.
Variant type: single nucleotide variant.
Coding change: c.9062C>A on transcript NM_000540.3 (MANE Select); coding-DNA position 9062, C replaced by A.
Protein change: p.Pro3021Gln; replaces proline 3021 with glutamine.
Molecular consequence: missense variant.
Genome position (GRCh38, 1-based): chr19:38,510,721, C>A. VCF-style: chr19-38510721-C-A. GRCh37 (hg19) VCF-style: chr19-39001361-C-A.
Other names: c.9062C>A, p.Pro3021Gln (NM_001042723.2); short protein forms P3021Q.
Identifiers: ClinVar variation 4534947 (VCV004534947.6).